The following is an entry in ClinVar:

NM_001395656.1(ROBO2):c.3094A>G (p.Thr1032Ala)

Gene: ROBO2 (roundabout guidance receptor 2; plus strand). Cytogenetic location: 3p12.3.
Variant type: single nucleotide variant.
Coding change: c.3094A>G on transcript NM_001395656.1 (MANE Select); coding-DNA position 3094, A replaced by G.
Protein change: p.Thr1032Ala; replaces threonine 1032 with alanine.
Molecular consequence: missense variant.
Genome position (GRCh38, 1-based): chr3:77,602,437, A>G. VCF-style: chr3-77602437-A-G. GRCh37 (hg19) VCF-style: chr3-77651588-A-G.
Other names: c.3130A>G, p.Thr1044Ala (NM_001128929.3); c.3094A>G, p.Thr1032Ala (NM_001290039.2, NM_001290040.2, NM_001378202.1); c.1303A>G, p.Thr435Ala (NM_001290065.2); c.3142A>G, p.Thr1048Ala (NM_001378190.1, NM_001378191.1, NM_001378195.1 and 4 more transcripts); c.3163A>G, p.Thr1055Ala (NM_001378192.1, NM_001378194.1, NM_001378198.1 and 2 more transcripts); c.3082A>G, p.Thr1028Ala (NM_001378193.1, NM_001378197.1, NM_002942.5); c.3151A>G, p.Thr1051Ala (NM_001394212.1, NM_001394214.1, NM_001395657.1); short protein forms T1055A, T1044A, T1051A, T1028A, T1032A, T1048A, T435A.
Identifiers: ClinVar variation 3589591 (VCV003589591.3).

ClinVar aggregate classification (germline): Uncertain significance. Review status: criteria provided, multiple submitters, no conflicts (2 of 4 stars). 2 submissions from 2 submitters: Uncertain significance (2). Last evaluated 2024-06-25.

Conditions:
Vesicoureteral reflux 2 (VUR2). Identifiers: Orphanet 289365, MedGen C1970483, MONDO:0012573, OMIM 610878.

gnomAD v4.1: 4 of 1,614,088 alleles (0.00025%); highest among the groups gnomAD compares: Admixed American, 0.0067%; no homozygotes.

Submissions (2):

Labcorp Genetics (formerly Invitae), Labcorp
Classification: Uncertain significance. Last evaluated: 2024-06-25. Review status: criteria provided, single submitter. Criteria: Invitae Variant Classification Sherloc (09022015). Collection method: clinical testing. Allele origin: germline.
Comment: This sequence change replaces threonine, which is neutral and polar, with alanine, which is neutral and non-polar, at codon 1028 of the ROBO2 protein (p.Thr1028Ala). This variant is present in population databases (rs778446389, gnomAD 0.01%). This variant has not been reported in the literature in individuals affected with ROBO2-related conditions. Advanced modeling of protein sequence and biophysical properties (such as structural, functional, and spatial information, amino acid conservation, physicochemical variation, residue mobility, and thermodynamic stability) performed at Invitae indicates that this missense variant is not expected to disrupt ROBO2 protein function with a negative predictive value of 95%. In summary, the available evidence is currently insufficient to determine the role of this variant in disease. Therefore, it has been classified as a Variant of Uncertain Significance.

Fulgent Genetics
Classification: Uncertain significance for Vesicoureteral reflux 2. Last evaluated: 2024-01-06. Review status: criteria provided, single submitter. Criteria: ACMG Guidelines, 2015. Collection method: clinical testing. Allele origin: germline.